The following is an entry in ClinVar:

ClinVar aggregate classification (germline): Likely pathogenic (1 of 4 stars; one submission).

Conditions:
Iodotyrosyl coupling defect (TDH3). Also called: HYPOTHYROIDISM, CONGENITAL, DUE TO DYSHORMONOGENESIS, 3; THYROID HORMONOGENESIS, GENETIC DEFECT IN, 3. Identifiers: Orphanet 95716, MedGen C0342194, MONDO:0010135, OMIM 274700.

gnomAD v4.1: 1 of 1,614,114 alleles (0.000062%); highest among the groups gnomAD compares: East Asian, 0.0022%; no homozygotes.

Submission:

3billion
Classification: Likely pathogenic for Iodotyrosyl coupling defect. Last evaluated: 2023-08-10. Review status: criteria provided, single submitter. Criteria: ACMG Guidelines, 2015. Collection method: clinical testing. Allele origin: germline. Affected: yes.
Comment: The variant is observed at an extremely low frequency in the gnomAD v2.1.1 dataset (total allele frequency: 0.000%). Predicted Consequence/Location: Stop-gained (nonsense): predicted to result in a loss or disruption of normal protein function through nonsense-mediated decay (NMD) or protein truncation. Multiple pathogenic variants are reported downstream of the variant. Therefore, this variant is classified as Likely pathogenic according to the recommendation of ACMG/AMP guideline.

NM_003235.5(TG):c.2338C>T (p.Gln780Ter)

Gene: TG (thyroglobulin; plus strand). Cytogenetic location: 8q24.22.
Variant type: single nucleotide variant.
Coding change: c.2338C>T on transcript NM_003235.5 (MANE Select); coding-DNA position 2338, C replaced by T.
Protein change: p.Gln780Ter; replaces glutamine 780 with a stop codon.
Molecular consequence: nonsense.
Genome position (GRCh38, 1-based): chr8:132,888,145, C>T. VCF-style: chr8-132888145-C-T. GRCh37 (hg19) VCF-style: chr8-133900390-C-T.
Other names: short protein forms Q780*.
Identifiers: ClinVar variation 3776241 (VCV003776241.1).
Genomic context (GRCh38, chr8:132,888,145, plus strand): 5'-ATCCCACAGTGCAGCACCGATGGGCAGTGGAGACAAGTGCAATGCAATGGGCCTCCTGAG[C>T]AGGTCTTCGAGTTGTACCAACGATGGGAGGCTCAGAACAAGGGCCAGGATCTGACGCCTG-3'